The following is an entry in ClinVar:

ClinVar aggregate classification (germline): Uncertain significance (1 of 4 stars; one submission).

Conditions:
Niemann-Pick disease, type C1. Also called: NIEMANN-PICK DISEASE, VARIANT TYPE C1; NEUROVISCERAL STORAGE DISEASE WITH VERTICAL SUPRANUCLEAR OPHTHALMOPLEGIA; NIEMANN-PICK DISEASE WITH CHOLESTEROL ESTERIFICATION BLOCK; NIEMANN-PICK DISEASE WITHOUT SPHINGOMYELINASE DEFICIENCY; NIEMANN-PICK DISEASE, CHRONIC NEURONOPATHIC FORM. Identifiers: Orphanet 646, MedGen C3179455, MONDO:0009757, OMIM 257220.

Submission:

Neuberg Centre For Genomic Medicine, NCGM
Classification: Uncertain significance for Niemann-Pick disease, type C1. Review status: criteria provided, single submitter. Criteria: ACMG Guidelines, 2015. Collection method: clinical testing. Allele origin: germline. Inheritance: Autosomal recessive inheritance. Affected: yes.
Comment: The missense variant c.1103T>C(p.Leu368Pro) in NPC1 gene has not been reported previously as a pathogenic variant nor as a benign variant, to our knowledge. The p.Leu368Pro variant is novel (not in any individuals) in gnomAD Exomes and 1000 Genomes. The amino acid Leu at position 368 is changed to a Pro changing protein sequence and it might alter its composition and physico-chemical properties. For these reasons, this variant has been classified as Uncertain Significance.

NM_000271.5(NPC1):c.1103T>C (p.Leu368Pro)

Gene: NPC1 (NPC intracellular cholesterol transporter 1; minus strand). Cytogenetic location: 18q11.2.
Variant type: single nucleotide variant.
Coding change: c.1103T>C on transcript NM_000271.5 (MANE Select); coding-DNA position 1103, T replaced by C.
Protein change: p.Leu368Pro; replaces leucine 368 with proline.
Molecular consequence: missense variant.
Genome position (GRCh38, 1-based): chr18:23,556,466, A>G on the plus strand (T>C on the coding strand, the complement: NPC1 is on the minus strand). VCF-style: chr18-23556466-A-G. GRCh37 (hg19) VCF-style: chr18-21136430-A-G.
Other names: short protein forms L368P.
Identifiers: ClinVar variation 2584912 (VCV002584912.1), dbSNP rs2511283937, ClinGen allele CA401778336.